The following is an entry in ClinVar:

NM_002863.5(PYGL):c.773-2A>G

Gene: PYGL (glycogen phosphorylase L; minus strand). Cytogenetic location: 14q22.1.
Variant type: single nucleotide variant.
Coding change: c.773-2A>G on transcript NM_002863.5 (MANE Select); the canonical splice acceptor site of the intron before coding-DNA position 773, A replaced by G.
Molecular consequence: splice acceptor variant.
Genome position (GRCh38, 1-based): chr14:50,920,625, T>C on the plus strand (A>G on the coding strand, the complement: PYGL is on the minus strand). VCF-style: chr14-50920625-T-C. GRCh37 (hg19) VCF-style: chr14-51387343-T-C.
Other names: c.671-2A>G (NM_001163940.2).
Identifiers: ClinVar variation 3252330 (VCV003252330.2), dbSNP rs2050491591.

ClinVar aggregate classification (germline): Pathogenic (1 of 4 stars; one submission).

Allele frequency attached by ClinVar (database versions not stated): gnomAD 0.00002; gnomAD exomes below 0.00001.
gnomAD v4.1: 4 of 1,606,382 alleles (0.00025%); highest among the groups gnomAD compares: African/African-American, 0.0054%; no homozygotes.

Submission:

GeneDx
Classification: Pathogenic. Last evaluated: 2026-05-26. Review status: criteria provided, single submitter. Criteria: GeneDx Variant Classification Process June 2021. Collection method: clinical testing. Allele origin: germline.
Comment: Canonical splice site variant predicted to result in a null allele in a gene for which loss of function is a known mechanism of disease; Not observed at significant frequency in large population cohorts (gnomAD); Has not been previously published as pathogenic or benign to our knowledge